The following is an entry in ClinVar:

NM_006767.4(LZTR1):c.264-14C>T

Gene: LZTR1 (leucine zipper like post translational regulator 1; plus strand). Cytogenetic location: 22q11.21.
Variant type: single nucleotide variant.
Coding change: c.264-14C>T on transcript NM_006767.4 (MANE Select); 14 bases into the intron before coding-DNA position 264, C replaced by T.
Molecular consequence: intron variant.
Genome position (GRCh38, 1-based): chr22:20,985,827, C>T. VCF-style: chr22-20985827-C-T. GRCh37 (hg19) VCF-style: chr22-21340116-C-T.
Other names: p.?.
Identifiers: ClinVar variation 929194 (VCV000929194.13), dbSNP rs199963374, ClinGen allele CA10118342.

ClinVar aggregate classification (germline): Benign/Likely benign. Review status: criteria provided, multiple submitters, no conflicts (2 of 4 stars). 5 submissions from 5 submitters: Benign (1); Likely benign (4). Last evaluated 2026-01-31.

Allele frequency attached by ClinVar (database versions not stated): gnomAD 0.00012 and 0.00015; 1000 Genomes Project 30x 0.00016; 1000 Genomes Project 0.00020; TOPMed 0.00021; ESP Exome Variant Server 0.00023; gnomAD exomes 0.00030; ExAC 0.00032.
gnomAD v4.1: 478 of 1,613,906 alleles (0.03%); highest among the groups gnomAD compares: Middle Eastern, 1.6%; 7 homozygotes.

Submissions (5):

Labcorp Genetics (formerly Invitae), Labcorp
Classification: Likely benign. Last evaluated: 2026-01-31. Review status: criteria provided, single submitter. Criteria: Invitae Variant Classification Sherloc (09022015). Collection method: clinical testing. Allele origin: germline.

Mayo Clinic Laboratories, Mayo Clinic
Classification: Likely benign. Last evaluated: 2025-04-16. Review status: criteria provided, single submitter. Criteria: ACMG Guidelines, 2015. Collection method: clinical testing. Allele origin: germline. Observed: 2 variant alleles.
Comment: BP4, BP7

Blueprint Genetics
Classification: Likely benign. Last evaluated: 2024-11-28. Review status: criteria provided, single submitter. Criteria: ACMG Guidelines, 2015. Collection method: clinical testing. Allele origin: germline.

Women's Health and Genetics/Laboratory Corporation of America, LabCorp
Classification: Benign. Last evaluated: 2019-09-16. Review status: criteria provided, single submitter. Criteria: LabCorp Variant Classification Summary - May 2015. Collection method: clinical testing. Allele origin: germline.
Comment: Variant summary: LZTR1 c.264-14C>T alters a nucleotide located close to a canonical splice site and therefore could affect mRNA splicing, leading to a significantly altered protein sequence. 5/5 computational tools predict no significant impact on normal splicing. However, these predictions have yet to be confirmed by functional studies. The variant allele was found at a frequency of 0.0003 in 251190 control chromosomes. The observed variant frequency is approximately 60.51 fold of the estimated maximal expected allele frequency for a pathogenic variant in LZTR1 causing Noonan Syndrome and Related Conditions phenotype (5e-06), strongly suggesting that the variant is benign. To our knowledge, no occurrence of c.264-14C>T in individuals affected with Noonan Syndrome and Related Conditions and no experimental evidence demonstrating its impact on protein function have been reported. No clinical diagnostic laboratories have submitted clinical-significance assessments for this variant to ClinVar after 2014. Based on the evidence outlined above, the variant was classified as benign.

Breakthrough Genomics
Classification: Likely benign. Review status: criteria provided, single submitter. Criteria: ACMG Guidelines, 2015. Collection method: not provided. Allele origin: germline. Inheritance: Autosomal recessive inheritance. Affected: yes.